The following is an entry in ClinVar:

ClinVar aggregate classification (germline): Uncertain significance. Review status: criteria provided, multiple submitters, no conflicts (2 of 4 stars). 2 submissions from 2 submitters: Uncertain significance (2). Last evaluated 2026-04-03.

Conditions:
Hereditary cancer-predisposing syndrome. Also called: Hereditary Cancer Syndrome; Neoplastic Syndromes, Hereditary; Hereditary neoplastic syndrome; Tumor predisposition. Identifiers: Orphanet 140162, MedGen C0027672, MeSH D009386, MONDO:0015356.
Familial adenomatous polyposis 1 (FAP1). Also called: FAMILIAL ADENOMATOUS POLYPOSIS 1, ATTENUATED; POLYPOSIS, ADENOMATOUS INTESTINAL. Identifiers: MedGen C2713442, MONDO:0021056, OMIM 175100. Disease mechanism: loss of function.

Submissions (2):

Ambry Genetics
Classification: Uncertain significance for Hereditary cancer-predisposing syndrome. Last evaluated: 2026-04-03. Review status: criteria provided, single submitter. Criteria: Ambry Variant Classification Scheme 2023. Collection method: clinical testing. Allele origin: germline.
Comment: The c.6627_6629delTTC variant (also known as p.S2210del) is located in coding exon 15 of the APC gene. This variant results from an in-frame TTC deletion at nucleotide positions 6627 to 6629. This results in the in-frame deletion of a serine at codon 2210. This amino acid position is well conserved in available vertebrate species. In addition, this variant is predicted to be neutral by in silico analysis (Choi Y et al. PLoS ONE. 2012; 7(10):e46688). Based on the available evidence, the clinical significance of this variant remains unclear.

St. Jude Molecular Pathology, St. Jude Children's Research Hospital
Classification: Uncertain significance for Familial adenomatous polyposis 1. Last evaluated: 2022-05-02. Review status: criteria provided, single submitter. Criteria: St. Jude Assertion Criteria 2020. Collection method: clinical testing. Allele origin: germline.
Comment: The APC c.6627_6629del (p.Ser2210del) change results in the deletion of a single serine residue in exon 16 of the APC gene (BP3). This variant is absent in gnomAD v2.1.1 (PM2_supporting). In silico analysis using PROVEAN predicts a benign effect of this variant on protein function (PMID: 23056405), but to our knowledge functional studies have not been performed. In summary, this variant meets criteria to be classified as of uncertain significance based on the ACMG/AMP criteria: PM2, BP3.

NM_000038.6(APC):c.6627_6629del (p.Ser2210del)

Gene: APC (APC regulator of Wnt signaling pathway; plus strand). Cytogenetic location: 5q22.2.
Variant type: Deletion.
Coding change: c.6627_6629del on transcript NM_000038.6 (MANE Select); coding-DNA positions 6627 to 6629, 3 bases deleted (TTC; older notation c.6627_6629delTTC).
Protein change: p.Ser2210del; deletes serine 2210.
Molecular consequence: inframe deletion.
Genome position (GRCh38, 1-based): chr5:112,842,221-112,842,223, TTC deleted. VCF-style (leftmost placement, unchanged base first): chr5-112842220-TTTC-T. GRCh37 (hg19) VCF-style: chr5-112177917-TTTC-T.
Other names: c.6627_6629del, p.Ser2210del (NM_001127510.3, NM_001354895.2); c.6573_6575del, p.Ser2192del (NM_001127511.3); c.6681_6683del, p.Ser2228del (NM_001354896.2); c.6657_6659del, p.Ser2220del (NM_001354897.2); c.6552_6554del, p.Ser2185del (NM_001354898.2); c.6543_6545del, p.Ser2182del (NM_001354899.2); c.6504_6506del, p.Ser2169del (NM_001354900.2); c.6450_6452del, p.Ser2151del (NM_001354901.2); and 6 more; short protein forms S1927del, S2050del, S2084del, S2109del, S2119del, S2151del, S2169del, S2182del.
Identifiers: ClinVar variation 1691531 (VCV001691531.5), dbSNP rs2149969256, ClinGen allele CA2573138699.